The following is an entry in ClinVar:

NM_001486.4(GCKR):c.1337T>C (p.Leu446Pro)

Gene: GCKR (glucokinase regulator; plus strand). Cytogenetic location: 2p23.3.
Variant type: single nucleotide variant.
Coding change: c.1337T>C on transcript NM_001486.4 (MANE Select); coding-DNA position 1337, T replaced by C.
Protein change: p.Leu446Pro; replaces leucine 446 with proline.
Molecular consequence: missense variant.
Genome position (GRCh38, 1-based): chr2:27,508,073, T>C. VCF-style: chr2-27508073-T-C. GRCh37 (hg19) VCF-style: chr2-27730940-T-C.
Other names: GCKR, PRO446LEU (rs1260326); P446L; short protein forms L446P.
Identifiers: ClinVar variation 8751 (VCV000008751.13), dbSNP rs1260326, ClinGen allele CA119886.
Genomic context (GRCh38, chr2:27,508,073, plus strand): 5'-TGAAAGAGAAGACCAACCACATCCAGGCCCTGGCACACAGCACCGTGGGTCAGACCTTGC[T>C]GGTGAGAGTCCAGCCGTGACAAAGGGACCCAGGTGGCAGTTGCAGCCAGGCCTTCCTGGA-3'
Protein context (NP_001477.2, residues 436-456): LAHSTVGQTL[Leu446Pro]IPLKKLFPSI

ClinVar aggregate classification (germline): Benign. Review status: criteria provided, multiple submitters, no conflicts (2 of 4 stars). 4 submissions from 4 submitters: Benign (3). 1 of the submissions does not count toward it. Last evaluated 2026-02-04.

Conditions:
FASTING PLASMA GLUCOSE LEVEL QUANTITATIVE TRAIT LOCUS 5 (FGQTL5). Identifiers: MedGen C3150714, OMIM 613463.

Allele frequency attached by ClinVar (database versions not stated): ExAC 0.64285; TOPMed 0.67435; ESP Exome Variant Server 0.67592; 1000 Genomes Project 0.70667; 1000 Genomes Project 30x 0.71299; gnomAD 0.67353 and 0.67091.
gnomAD v4.1: 994,022 of 1,610,248 alleles (62%); highest among the groups gnomAD compares: African/African-American, 86%; 312,465 homozygotes.

Submissions (4):

Labcorp Genetics (formerly Invitae), Labcorp
Classification: Benign. Last evaluated: 2026-02-04. Review status: criteria provided, single submitter. Criteria: Invitae Variant Classification Sherloc (09022015). Collection method: clinical testing. Allele origin: germline.

GeneDx
Classification: Benign. Last evaluated: 2018-10-12. Review status: criteria provided, single submitter. Criteria: GeneDx Variant Classification Process June 2021. Collection method: clinical testing. Allele origin: germline. Affected: yes.
Comment: This variant is associated with the following publications: (PMID: 33588820, 28082259, 24918535, 22001757, 31118516, 30297969, 30315176, 30420299, 29632382, 29083407, 27516387, 27798624, 23586973, 28385800, 27346689, 26174136, 26043229, 26551672, 27398621, 28008009, 18556336, 23383164, 23894584, 21674002, 21423719, 22182842, 21525158, 19526250, 19643913, 24879641, 22038520, 18678614, 22958899)

Breakthrough Genomics
Classification: Benign. Review status: criteria provided, single submitter. Criteria: ACMG Guidelines, 2015. Collection method: not provided. Allele origin: germline. Inheritance: Unknown mechanism. Affected: yes.

OMIM
Classification: association for FASTING PLASMA GLUCOSE LEVEL QUANTITATIVE TRAIT LOCUS 5. Last evaluated: 2010-02-01. Review status: no assertion criteria provided. Collection method: literature only. Allele origin: germline. Not counted in ClinVar's aggregate classification.

Literature cited by the submitters: PubMed 19643913 (cited by OMIM); PubMed 18678614 (cited by OMIM); PubMed 18556336 (cited by OMIM); PubMed 20081858 (cited by OMIM).